The following is an entry in ClinVar:

NM_004656.4(BAP1):c.437+1G>A

Gene: BAP1 (BRCA1 associated deubiquitinase 1; minus strand). Cytogenetic location: 3p21.1.
Variant type: single nucleotide variant.
Coding change: c.437+1G>A on transcript NM_004656.4 (MANE Select); the canonical splice donor site of the intron after coding-DNA position 437, G replaced by A.
Molecular consequence: splice donor variant.
Genome position (GRCh38, 1-based): chr3:52,407,398, C>T on the plus strand (G>A on the coding strand, the complement: BAP1 is on the minus strand). VCF-style: chr3-52407398-C-T. GRCh37 (hg19) VCF-style: chr3-52441414-C-T.
Other names: c.437+1G>A (NM_001410772.1, NM_004656.2).
Identifiers: ClinVar variation 1453675 (VCV001453675.9), dbSNP rs1553645838, ClinGen allele CA353110641.

ClinVar aggregate classification (germline): Pathogenic. Review status: criteria provided, multiple submitters, no conflicts (2 of 4 stars). 2 submissions from 2 submitters: Pathogenic (2). Last evaluated 2026-01-02.

Conditions:
Hereditary cancer-predisposing syndrome. Also called: Neoplastic Syndromes, Hereditary; Tumor predisposition; Hereditary Cancer Syndrome; Hereditary neoplastic syndrome. Identifiers: Orphanet 140162, MedGen C0027672, MeSH D009386, MONDO:0015356.
BAP1-related tumor predisposition syndrome (TPDS1). Also called: COMMON Syndrome; Tumor susceptibility linked to germline BAP1 mutations; TUMOR PREDISPOSITION SYNDROME 1; BAP1 tumor predisposition syndrome. Identifiers: Orphanet 289539, MedGen C3280492, MONDO:0013692, OMIM 614327.

Submissions (2):

Ambry Genetics
Classification: Pathogenic for Hereditary cancer-predisposing syndrome. Last evaluated: 2026-01-02. Review status: criteria provided, single submitter. Criteria: Ambry Variant Classification Scheme 2023. Collection method: clinical testing. Allele origin: germline.
Comment: The c.437+1G>A intronic pathogenic mutation results from a G to A substitution one nucleotide after coding exon 6 of the BAP1 gene. This variant has been identified in individuals with BAP1-associated disease (Panou V et al. J Clin Oncol, 2018 Oct;36:2863-2871; Popova T et al. Am J Hum Genet, 2013 Jun;92:974-80; Walpole S et al. J Natl Cancer Inst, 2018 Dec;110:1328-1341). This alteration was non-functional in a high throughput genome editing haploid cell survival functional assay (Waters AJ et al. Nat Genet, 2024 Jul;56:1434-1445). This nucleotide position is highly conserved in available vertebrate species. In silico splice site analysis predicts that this alteration will weaken the native splice donor site. RNA studies have demonstrated that this alteration results in abnormal splicing in the set of samples tested (Ambry internal data). This variant is considered to be rare based on population cohorts in the Genome Aggregation Database (gnomAD). Based on the supporting evidence, this variant is interpreted as a disease-causing mutation.

Labcorp Genetics (formerly Invitae), Labcorp
Classification: Pathogenic for BAP1-related tumor predisposition syndrome. Last evaluated: 2025-08-03. Review status: criteria provided, single submitter. Criteria: Invitae Variant Classification Sherloc (09022015). Collection method: clinical testing. Allele origin: germline.
Comment: This sequence change affects a donor splice site in intron 6 of the BAP1 gene. It is expected to disrupt RNA splicing. Variants that disrupt the donor or acceptor splice site typically lead to a loss of protein function (PMID: 16199547), and loss-of-function variants in BAP1 are known to be pathogenic (PMID: 21874000, 23684012). This variant is not present in population databases (gnomAD no frequency). Disruption of this splice site has been observed in individuals with BAP1 related tumors (PMID: 23684012, 28560743, 30517737). ClinVar contains an entry for this variant (Variation ID: 1453675). Algorithms developed to predict the effect of sequence changes on RNA splicing suggest that this variant may disrupt the consensus splice site. For these reasons, this variant has been classified as Pathogenic.

Literature cited by the submitters: PubMed 23684012 (cited by Ambry Genetics and Labcorp Genetics (formerly Invitae), Labcorp); PubMed 30113886 (cited by Ambry Genetics); PubMed 30517737 (cited by Ambry Genetics and Labcorp Genetics (formerly Invitae), Labcorp); PubMed 38969833 (cited by Ambry Genetics); PubMed 16199547 (cited by Labcorp Genetics (formerly Invitae), Labcorp); PubMed 21874000 (cited by Labcorp Genetics (formerly Invitae), Labcorp); PubMed 28560743 (cited by Labcorp Genetics (formerly Invitae), Labcorp).